The following is an entry in ClinVar:

ClinVar aggregate classification (germline): Benign. Review status: criteria provided, multiple submitters, no conflicts (2 of 4 stars). 2 submissions from 2 submitters: Benign (2). Last evaluated 2018-01-13.

Conditions:
Factor 5 and Factor VIII, combined deficiency of, 2. Identifiers: Orphanet 35909, MedGen C3150889, MONDO:0013331, OMIM 613625.

Allele frequency attached by ClinVar (database versions not stated): gnomAD 0.76204 and 0.75853; 1000 Genomes Project 0.77656; gnomAD exomes 0.70833; TOPMed 0.75733; 1000 Genomes Project 30x 0.77858.

Submissions (2):

Illumina Laboratory Services, Illumina
Classification: Benign for Factor 5 and Factor VIII, combined deficiency of, 2. Last evaluated: 2018-01-13. Review status: criteria provided, single submitter. Criteria: ICSL Variant Classification Criteria 13 December 2019. Collection method: clinical testing. Allele origin: germline.
Comment: This variant was observed in the ICSL laboratory as part of a predisposition screen in an ostensibly healthy population. It had not been previously curated by ICSL or reported in the Human Gene Mutation Database (HGMD: prior to June 1st, 2018), and was therefore a candidate for classification through an automated scoring system. Utilizing variant allele frequency, disease prevalence and penetrance estimates, and inheritance mode, an automated score was calculated to assess if this variant is too frequent to cause the disease. Based on the score and internal cut-off values, a variant classified as benign is not then subjected to further curation. The score for this variant resulted in a classification of benign for this disease.

Breakthrough Genomics
Classification: Benign. Review status: criteria provided, single submitter. Criteria: ACMG Guidelines, 2015. Collection method: not provided. Allele origin: germline. Inheritance: Unknown mechanism. Affected: yes.

NM_139279.6(MCFD2):c.*1267G>T

Genes: MCFD2 (multiple coagulation factor deficiency 2, ER cargo receptor complex subunit; minus strand), MCFD2-AS1 (MCFD2 antisense RNA 1; plus strand). Cytogenetic location: 2p21.
Variant type: single nucleotide variant.
Coding change: c.*1267G>T on transcript NM_139279.6 (MANE Select); 1267 bases downstream of the stop codon, G replaced by T.
Molecular consequence: 3 prime UTR variant.
Genome position (GRCh38, 1-based): chr2:46,904,196, C>A on the plus strand (G>T on the coding strand, the complement: MCFD2 is on the minus strand). VCF-style: chr2-46904196-C-A. GRCh37 (hg19) VCF-style: chr2-47131335-C-A.
Other names: c.*1267G>T (NM_001171506.2, NM_001171507.2, NM_001171508.2 and 3 more transcripts).
Identifiers: ClinVar variation 336360 (VCV000336360.6), dbSNP rs7596245, ClinGen allele CA10615685.